The following is an entry in ClinVar:

ClinVar aggregate classification (germline): Uncertain significance. Review status: reviewed by expert panel (3 of 4 stars). 6 submissions from 6 submitters: Uncertain significance (1). 5 of the submissions do not count toward it. Last evaluated 2025-09-29.

Conditions:
AIPL1-related retinopathy. Also called: AIPL1 retinopathy. Identifiers: MedGen CN305590, MONDO:0100438.
Leber congenital amaurosis 4 (LCA4). Identifiers: MedGen C1858386, MONDO:0011458, OMIM 604393.

Allele frequency attached by ClinVar (database versions not stated): ExAC 0.00003; gnomAD 0.00003; gnomAD exomes 0.00003 and 0.00004; TOPMed 0.00004.

Submissions (6):

ClinGen Leber Congenital Amaurosis/early Onset Retinal Dystrophy Variant Curation Expert Panel, ClinGen
Classification: Uncertain significance for AIPL1-related retinopathy. Last evaluated: 2025-09-29. Review status: reviewed by expert panel. Criteria: ClinGen LCAeoRD ACMG Specifications AIPL1 V1.0.0. Collection method: curation. Allele origin: germline. Inheritance: Autosomal recessive inheritance.
Comment: NM_014336.5(AIPL1):c.112C>T (p.Arg38Cys) is a missense variant resulting in replacement of arginine by cysteine at amino acid p.38. This variant is present in gnomAD v.4.1.0 at a total allele frequency of 0.00002727, with 44 / 1,613,698 total alleles, which is lower than the ClinGen LCA/eoRD VCEP PM2_Supporting threshold of <0.0004 (PM2_Supporting). This variant has been found in the homozygous state in 1 adult individual in gnomAD version 4.1.0, which is lower than the LCA/eoRD VCEP threshold of ≥3, so BS2_Supporting is not met. This variant has been reported in at least 1 proband with early-onset severe retinal dystrophy who harbored the variant in the heterozygous state, however, PM3 was not met because the second AIPL1 variant was not identified (PMID: 17964524). The variant has been identified in another proband from a cohort diagnosed with inherited retinal or optic nerve disorders in an unreported state of zygosity (PMID: 32483926). The computational predictor REVEL gives a score of 0.925, which is above the ClinGen LCA/eoRD VCEP threshold of ≥0.774 and predicts a damaging effect on AIPL1 protein function (PP3_Moderate). The splicing impact predictor SpliceAI gives a score of 0.08 for acceptor gain, which is below the ClinGen LCA/eoRD VCEP recommended threshold of ≥0.2 and does not strongly predict an impact on splicing. The variant exhibited >90% enzymatic activity in a cGMP hydrolysis assay relative to the wild-type control, as well as cytoplasmic and nuclear localization similar to the wild-type (PMID: 27268253), however, these assays are not approved to meet BS3_Supporting. In summary, this variant meets the criteria to be classified as a Variant of Uncertain Significance for AIPL1-related retinopathy based on the ACMG/AMP criteria applied, as specified by the ClinGen LCA/eoRD VCEP: PM2_Supporting and PP3_Moderate. (VCEP specifications version 1.0.0; date of approval 09/24/2025).

Women's Health and Genetics/Laboratory Corporation of America, LabCorp
Classification: Uncertain significance. Last evaluated: 2023-08-10. Review status: criteria provided, single submitter. Criteria: LabCorp Variant Classification Summary - May 2015. Collection method: clinical testing. Allele origin: germline. Not counted in ClinVar's aggregate classification.
Comment: Variant summary: AIPL1 c.112C>T (p.Arg38Cys) results in a non-conservative amino acid change located in the FKBP-type peptidyl-prolyl cis-trans isomerase domain (IPR001179) of the encoded protein sequence. Five of five in-silico tools predict a damaging effect of the variant on protein function. The variant allele was found at a frequency of 4e-05 in 250994 control chromosomes in the gnomAD database, including 1 homozygote. This frequency is not significantly higher than estimated for a pathogenic variant in AIPL1 causing Leber Congenital Amaurosis (4e-05 vs 0.0011), allowing no conclusion about variant significance. c.112C>T has been reported in the literature in individuals affected with Leber Congenital Amaurosis or nonsyndromic blindness without strong evidence of causality (Stone_2007, Dineiro_2020). These reports do not provide unequivocal conclusions about association of the variant with Leber Congenital Amaurosis. Publications reports experimental evidence evaluating an impact on protein function, finding no effect of the variant on the ability for AIPL1 to interact with FAT10 or to chaperone PDE6C (Boehm_2020, Gopalakrishna_2016). The following publications have been ascertained in the context of this evaluation (PMID: 17964524, 32483926, 32817338, 27268253). Two submitters have cited clinical-significance assessments for this variant to ClinVar after 2014. Both submitters classified the variant as uncertain significance. Based on the evidence outlined above, the variant was classified as uncertain significance.

Blueprint Genetics
Classification: Uncertain significance. Last evaluated: 2023-05-16. Review status: criteria provided, single submitter. Criteria: ACMG Guidelines, 2015. Collection method: clinical testing. Allele origin: germline. Not counted in ClinVar's aggregate classification.

Labcorp Genetics (formerly Invitae), Labcorp
Classification: Uncertain significance for Leber congenital amaurosis 4. Last evaluated: 2022-02-09. Review status: criteria provided, single submitter. Criteria: Invitae Variant Classification Sherloc (09022015). Collection method: clinical testing. Allele origin: germline. Not counted in ClinVar's aggregate classification.
Comment: This sequence change replaces arginine, which is basic and polar, with cysteine, which is neutral and slightly polar, at codon 38 of the AIPL1 protein (p.Arg38Cys). This variant is present in population databases (rs200899521, gnomAD 0.01%), including at least one homozygous and/or hemizygous individual. This missense change has been observed in individual(s) with clinical features of Leber congenital amaurosis (PMID: 17964524). ClinVar contains an entry for this variant (Variation ID: 377207). Algorithms developed to predict the effect of missense changes on protein structure and function are either unavailable or do not agree on the potential impact of this missense change (SIFT: "Deleterious"; PolyPhen-2: "Probably Damaging"; Align-GVGD: "Class C0"). Experimental studies have shown that this missense change does not substantially affect AIPL1 function (PMID: 23737531, 27268253). In summary, the available evidence is currently insufficient to determine the role of this variant in disease. Therefore, it has been classified as a Variant of Uncertain Significance.

Center for Pediatric Genomic Medicine, Children's Mercy Hospital and Clinics
Classification: Uncertain significance. Last evaluated: 2016-09-22. Review status: criteria provided, single submitter. Criteria: ACMG Guidelines, 2015. Collection method: clinical testing. Allele origin: germline. Not counted in ClinVar's aggregate classification.
ClinVar note: Converted during submission from Uncertain Significance to Uncertain significance.

Department of Pathology and Laboratory Medicine, Sinai Health System
Classification: Uncertain significance. Review status: no assertion criteria provided. Collection method: clinical testing. Allele origin: unknown. Affected: yes. Study: The Canadian Open Genetics Repository (COGR). Not counted in ClinVar's aggregate classification.
Comment: The AIPL1 p.Arg38Cys variant was identified in the literature in 1 of 1284 proband chromosomes (frequency: 0.0008) from individuals with Leber congenital amaurosis (Stone_2007_PMID:17964524). The variant was identified in dbSNP (ID: rs200899521) and ClinVar (classified as uncertain significance by the Center for Pediatric Genomic Medicine Children's Mercy Hospital and Clinics). The variant was identified in control databases in 11 of 282324 chromosomes (1 homozygous) at a frequency of 0.00003896 (Genome Aggregation Database March 6, 2019, v2.1.1). The variant was observed in the following populations: Latino in 4 of 35398 chromosomes (freq: 0.000113), South Asian in 3 of 30550 chromosomes (freq: 0.000098), African in 1 of 24916 chromosomes (freq: 0.00004) and European (non-Finnish) in 3 of 128980 chromosomes (freq: 0.000023), but was not observed in the Ashkenazi Jewish, East Asian, European (Finnish), or Other populations. The p.Arg38 residue is conserved in mammals but not in more distantly related organisms, and computational analyses (PolyPhen-2, SIFT, AlignGVGD, BLOSUM, MutationTaster) suggest that the variant may impact the protein; however, this information is not predictive enough to assume pathogenicity. The variant occurs outside of the splicing consensus sequence and in silico or computational prediction software programs (SpliceSiteFinder, MaxEntScan, NNSPLICE, GeneSplicer) do not predict a difference in splicing. Data from two functional studies demonstrated that the chaperone ability of the AIPL1 protein containing the p.R38C variant did not differ significantly from the wild type (Gopalakrishna_2016_PMID:27268253), and the p.R38C variant did not significantly affect the binding of farnesyl-Cys-AMCA to AIPL1 (Majumder_2013_PMID:23737531). In summary, based on the above information the clinical significance of this variant cannot be determined with certainty at this time. This variant is classified as a variant of uncertain significance.

Literature cited by the submitters: PubMed 17964524 (cited by Women's Health and Genetics/Laboratory Corporation of America, LabCorp and Labcorp Genetics (formerly Invitae), Labcorp); PubMed 32483926 (cited by Women's Health and Genetics/Laboratory Corporation of America, LabCorp); PubMed 32817338 (cited by Women's Health and Genetics/Laboratory Corporation of America, LabCorp); PubMed 27268253 (cited by Women's Health and Genetics/Laboratory Corporation of America, LabCorp and Labcorp Genetics (formerly Invitae), Labcorp); PubMed 23737531 (cited by Labcorp Genetics (formerly Invitae), Labcorp).

NM_014336.5(AIPL1):c.112C>T (p.Arg38Cys)

Gene: AIPL1 (AIP like 1 HSP90 co-chaperone; minus strand). Cytogenetic location: 17p13.2.
Variant type: single nucleotide variant.
Coding change: c.112C>T on transcript NM_014336.5 (MANE Select); coding-DNA position 112, C replaced by T.
Protein change: p.Arg38Cys; replaces arginine 38 with cysteine.
Molecular consequence: missense variant. On other transcripts: 5 prime UTR variant (1), intron variant (3).
Genome position (GRCh38, 1-based): chr17:6,434,083, G>A on the plus strand (C>T on the coding strand, the complement: AIPL1 is on the minus strand). VCF-style: chr17-6434083-G-A. GRCh37 (hg19) VCF-style: chr17-6337403-G-A.
Other names: NM_014336.5(AIPL1):c.112C>T; p.Arg38Cys; c.112C>T (NM_014336.4); c.112C>T, p.Arg38Cys (NM_001033054.3, NM_001285401.3, NM_001285403.4); c.-6C>T (NM_001285402.2); c.96+926C>T (NM_001033055.3); c.97-51C>T (NM_001285400.3); c.97-21C>T (NM_001285399.3); short protein forms R38C.
Identifiers: ClinVar variation 377207 (VCV000377207.10), dbSNP rs200899521, ClinGen allele CA8328621.
Genomic context (GRCh38, chr17:6,434,083, plus strand): 5'-GCTGGCCCACCTGCCGACTGTCGTCAATGACTGTCCGCTCCTCATCACATTTCATGGTGC[G>A]GAAATGAAAGATCACCTAGTCACCGAGACGGTGCACTCTGCTCTAGACACACTGTTCAAG-3'
Protein context (NP_055151.3, residues 28-48): ITGSRVIFHF[Arg38Cys]TMKCDEERTV